The following is an entry in ClinVar:

NM_004304.5(ALK):c.4610G>A (p.Gly1537Glu)

Gene: ALK (ALK receptor tyrosine kinase; minus strand). Cytogenetic location: 2p23.2.
Variant type: single nucleotide variant.
Coding change: c.4610G>A on transcript NM_004304.5 (MANE Select); coding-DNA position 4610, G replaced by A.
Protein change: p.Gly1537Glu; replaces glycine 1537 with glutamic acid.
Molecular consequence: missense variant.
Genome position (GRCh38, 1-based): chr2:29,193,477, C>T on the plus strand (G>A on the coding strand, the complement: ALK is on the minus strand). VCF-style: chr2-29193477-C-T. GRCh37 (hg19) VCF-style: chr2-29416343-C-T.
Other names: c.1406G>A, p.Gly469Glu (NM_001353765.2); short protein forms G469E, G1537E.
Identifiers: ClinVar variation 834575 (VCV000834575.9), dbSNP rs1046265972, ClinGen allele CA44634809.

ClinVar aggregate classification (germline): Uncertain significance (1 of 4 stars; one submission).

Conditions:
Neuroblastoma, susceptibility to, 3. Also called: ALK-Related Neuroblastic Tumor Susceptibility. Identifiers: Orphanet 635, MedGen C2751681, MONDO:0013083, OMIM 613014.

Allele frequency attached by ClinVar (database versions not stated): TOPMed below 0.00001.

Submission:

Labcorp Genetics (formerly Invitae), Labcorp
Classification: Uncertain significance for Neuroblastoma, susceptibility to, 3. Last evaluated: 2022-09-07. Review status: criteria provided, single submitter. Criteria: Invitae Variant Classification Sherloc (09022015). Collection method: clinical testing. Allele origin: germline.
Comment: This sequence change replaces glycine, which is neutral and non-polar, with glutamic acid, which is acidic and polar, at codon 1537 of the ALK protein (p.Gly1537Glu). This variant is not present in population databases (gnomAD no frequency). This variant has not been reported in the literature in individuals affected with ALK-related conditions. ClinVar contains an entry for this variant (Variation ID: 834575). Algorithms developed to predict the effect of missense changes on protein structure and function are either unavailable or do not agree on the potential impact of this missense change (SIFT: "Deleterious"; PolyPhen-2: "Benign"; Align-GVGD: "Class C65"). In summary, the available evidence is currently insufficient to determine the role of this variant in disease. Therefore, it has been classified as a Variant of Uncertain Significance.